The following is an entry in ClinVar:

ClinVar aggregate classification (germline): Uncertain significance (1 of 4 stars; one submission).

Conditions:
Familial adenomatous polyposis 1 (FAP1). Also called: POLYPOSIS, ADENOMATOUS INTESTINAL; FAMILIAL ADENOMATOUS POLYPOSIS 1, ATTENUATED. Identifiers: MedGen C2713442, MONDO:0021056, OMIM 175100. Disease mechanism: loss of function.

Submission:

Labcorp Genetics (formerly Invitae), Labcorp
Classification: Uncertain significance for Familial adenomatous polyposis 1. Last evaluated: 2019-04-19. Review status: criteria provided, single submitter. Criteria: Invitae Variant Classification Sherloc (09022015). Collection method: clinical testing. Allele origin: germline.
Comment: This sequence change replaces alanine with glutamic acid at codon 1606 of the APC protein (p.Ala1606Glu). The alanine residue is highly conserved and there is a moderate physicochemical difference between alanine and glutamic acid. In summary, the available evidence is currently insufficient to determine the role of this variant in disease. Therefore, it has been classified as a Variant of Uncertain Significance. Algorithms developed to predict the effect of missense changes on protein structure and function are either unavailable or do not agree on the potential impact of this missense change (SIFT: "Deleterious"; PolyPhen-2: "Probably Damaging"; Align-GVGD: "Class C15"). This variant has not been reported in the literature in individuals with APC-related conditions. This variant is not present in population databases (ExAC no frequency).

NM_000038.6(APC):c.4817C>A (p.Ala1606Glu)

Gene: APC (APC regulator of Wnt signaling pathway; plus strand). Cytogenetic location: 5q22.2.
Variant type: single nucleotide variant.
Coding change: c.4817C>A on transcript NM_000038.6 (MANE Select); coding-DNA position 4817, C replaced by A.
Protein change: p.Ala1606Glu; replaces alanine 1606 with glutamic acid.
Molecular consequence: missense variant.
Genome position (GRCh38, 1-based): chr5:112,840,411, C>A. VCF-style: chr5-112840411-C-A. GRCh37 (hg19) VCF-style: chr5-112176108-C-A.
Other names: c.4817C>A, p.Ala1606Glu (NM_001127510.3, NM_001354895.2); c.4763C>A, p.Ala1588Glu (NM_001127511.3); c.4871C>A, p.Ala1624Glu (NM_001354896.2); c.4847C>A, p.Ala1616Glu (NM_001354897.2); c.4742C>A, p.Ala1581Glu (NM_001354898.2); c.4733C>A, p.Ala1578Glu (NM_001354899.2); c.4694C>A, p.Ala1565Glu (NM_001354900.2); c.4640C>A, p.Ala1547Glu (NM_001354901.2); and 5 more; short protein forms A1515E, A1606E, A1616E, A1446E, A1547E, A1565E, A1588E, A1323E.
Identifiers: ClinVar variation 944884 (VCV000944884.11), dbSNP rs1765773990, ClinGen allele CA16031885.